The following is an entry in ClinVar:

NM_000256.3(MYBPC3):c.380T>G (p.Leu127Arg)

Gene: MYBPC3 (myosin binding protein C3; minus strand). Cytogenetic location: 11p11.2.
Variant type: single nucleotide variant.
Coding change: c.380T>G on transcript NM_000256.3 (MANE Select); coding-DNA position 380, T replaced by G.
Protein change: p.Leu127Arg; replaces leucine 127 with arginine.
Molecular consequence: missense variant.
Genome position (GRCh38, 1-based): chr11:47,350,528, A>C on the plus strand (T>G on the coding strand, the complement: MYBPC3 is on the minus strand). VCF-style: chr11-47350528-A-C. GRCh37 (hg19) VCF-style: chr11-47372079-A-C.
Other names: short protein forms L127R.
Identifiers: ClinVar variation 2448104 (VCV002448104.3), dbSNP rs2142868691, ClinGen allele CA380340459.

ClinVar aggregate classification (germline): Conflicting classifications of pathogenicity. Review status: criteria provided, conflicting classifications (1 of 4 stars). 3 submissions from 3 submitters: Uncertain significance (2); Likely benign (1). Last evaluated 2025-10-14.

Conditions:
Cardiomyopathy (CMYO). Also called: Cardiomyopathies. Identifiers: Orphanet 167848, MedGen C0878544, MONDO:0004994, HP:0001638. Inheritance: Various modes of inheritance.
Cardiovascular phenotype. Identifiers: MedGen CN230736.
Hypertrophic cardiomyopathy. Also called: HYPERTROPHIC MYOCARDIOPATHY. Identifiers: Orphanet 217569, MedGen C0007194, MeSH D002312, MONDO:0005045, HP:0001639.

Allele frequency attached by ClinVar (database versions not stated): gnomAD exomes below 0.00001; gnomAD 0.00001; 1000 Genomes Project 30x 0.00016.
gnomAD v4.1: 7 of 1,557,708 alleles (0.00045%); highest among the groups gnomAD compares: South Asian, 0.006%; 1 homozygote.

Submissions (3):

Color Diagnostics, LLC DBA Color Health
Classification: Likely benign for Cardiomyopathy. Last evaluated: 2025-10-14. Review status: criteria provided, single submitter. Criteria: ACMG Guidelines, 2015. Collection method: clinical testing. Allele origin: germline.

Labcorp Genetics (formerly Invitae), Labcorp
Classification: Uncertain significance for Hypertrophic cardiomyopathy. Last evaluated: 2025-05-01. Review status: criteria provided, single submitter. Criteria: Invitae Variant Classification Sherloc (09022015). Collection method: clinical testing. Allele origin: germline.
Comment: This sequence change replaces leucine, which is neutral and non-polar, with arginine, which is basic and polar, at codon 127 of the MYBPC3 protein (p.Leu127Arg). This variant is not present in population databases (gnomAD no frequency). This variant has not been reported in the literature in individuals affected with MYBPC3-related conditions. ClinVar contains an entry for this variant (Variation ID: 2448104). An algorithm developed to predict the effect of missense changes on protein structure and function (PolyPhen-2) suggests that this variant is likely to be tolerated. In summary, the available evidence is currently insufficient to determine the role of this variant in disease. Therefore, it has been classified as a Variant of Uncertain Significance.

Ambry Genetics
Classification: Uncertain significance for Cardiovascular phenotype. Last evaluated: 2023-01-23. Review status: criteria provided, single submitter. Criteria: Ambry Variant Classification Scheme 2023. Collection method: clinical testing. Allele origin: germline.
Comment: The p.L127R variant (also known as c.380T>G), located in coding exon 3 of the MYBPC3 gene, results from a T to G substitution at nucleotide position 380. The leucine at codon 127 is replaced by arginine, an amino acid with dissimilar properties. This amino acid position is poorly conserved in available vertebrate species. In addition, this alteration is predicted to be tolerated by in silico analysis. Since supporting evidence is limited at this time, the clinical significance of this alteration remains unclear.